The following is an entry in ClinVar:

ClinVar aggregate classification (germline): Uncertain significance. Review status: criteria provided, multiple submitters, no conflicts (2 of 4 stars). 4 submissions from 4 submitters: Uncertain significance (2). 2 of the submissions do not count toward it. Last evaluated 2024-11-14.

Conditions:
EP300-related disorder. Also called: EP300-related condition; EP300-related disorders.

Allele frequency attached by ClinVar (database versions not stated): ExAC 0.00001; gnomAD 0.00001; gnomAD exomes 0.00002; TOPMed 0.00002.

Submissions (4):

PreventionGenetics, part of Exact Sciences
Classification: Uncertain significance for EP300-related condition. Last evaluated: 2024-11-14. Review status: criteria provided, single submitter. Criteria: ACMG Guidelines, 2015. Collection method: clinical testing. Allele origin: germline.
Comment: The EP300 c.6020A>G variant is predicted to result in the amino acid substitution p.Gln2007Arg. This variant has been reported in an individual with spinocerebellar ataxia (Figure 2, Nibbeling et al. 2017. PubMed ID: 29053796). This variant is reported in 0.0035% of alleles in individuals of European (non-Finnish) descent in gnomAD. At this time, the clinical significance of this variant is uncertain due to the absence of conclusive functional and genetic evidence.

Clinical Genetics Laboratory, Skane University Hospital Lund
Classification: Uncertain significance. Last evaluated: 2022-05-27. Review status: criteria provided, single submitter. Criteria: ACMG Guidelines, 2015. Collection method: clinical testing. Allele origin: germline. Affected: yes.

Clinical Genetics DNA and cytogenetics Diagnostics Lab, Erasmus MC, Erasmus Medical Center
Classification: Uncertain significance. Review status: no assertion criteria provided. Collection method: clinical testing. Allele origin: germline. Affected: yes. Study: VKGL Data-share Consensus. Not counted in ClinVar's aggregate classification.

Diagnostic Laboratory, Department of Genetics, University Medical Center Groningen
Classification: Uncertain significance. Review status: no assertion criteria provided. Collection method: clinical testing. Allele origin: germline. Affected: yes. Study: VKGL Data-share Consensus. Not counted in ClinVar's aggregate classification.

NM_001429.4(EP300):c.6020A>G (p.Gln2007Arg)

Gene: EP300 (EP300 lysine acetyltransferase; plus strand). Cytogenetic location: 22q13.2.
Variant type: single nucleotide variant.
Coding change: c.6020A>G on transcript NM_001429.4 (MANE Select); coding-DNA position 6020, A replaced by G.
Protein change: p.Gln2007Arg; replaces glutamine 2007 with arginine.
Molecular consequence: missense variant.
Genome position (GRCh38, 1-based): chr22:41,177,731, A>G. VCF-style: chr22-41177731-A-G. GRCh37 (hg19) VCF-style: chr22-41573735-A-G.
Other names: c.5942A>G, p.Gln1981Arg (NM_001362843.2); c.6020A>G (NM_001429.3); short protein forms Q1981R, Q2007R.
Identifiers: ClinVar variation 1174662 (VCV001174662.8), dbSNP rs763892493, ClinGen allele CA10253764.